The following is an entry in ClinVar:

ClinVar aggregate classification (germline): Uncertain significance (1 of 4 stars; one submission).

gnomAD v4.1: 2 of 1,613,134 alleles (0.00012%); highest among the groups gnomAD compares: Admixed American, 0.0033%; no homozygotes.

Submission:

Labcorp Genetics (formerly Invitae), Labcorp
Classification: Uncertain significance. Last evaluated: 2022-09-27. Review status: criteria provided, single submitter. Criteria: Invitae Variant Classification Sherloc (09022015). Collection method: clinical testing. Allele origin: germline.
Comment: This sequence change replaces lysine, which is basic and polar, with asparagine, which is neutral and polar, at codon 506 of the ERCC6 protein (p.Lys506Asn). This variant is not present in population databases (gnomAD no frequency). This variant has not been reported in the literature in individuals affected with ERCC6-related conditions. Advanced modeling of protein sequence and biophysical properties (such as structural, functional, and spatial information, amino acid conservation, physicochemical variation, residue mobility, and thermodynamic stability) performed at Invitae indicates that this missense variant is not expected to disrupt ERCC6 protein function. In summary, the available evidence is currently insufficient to determine the role of this variant in disease. Therefore, it has been classified as a Variant of Uncertain Significance.

NM_000124.4(ERCC6):c.1518G>C (p.Lys506Asn)

Gene: ERCC6 (ERCC excision repair 6, chromatin remodeling factor; minus strand). Cytogenetic location: 10q11.23.
Variant type: single nucleotide variant.
Coding change: c.1518G>C on transcript NM_000124.4 (MANE Select); coding-DNA position 1518, G replaced by C.
Protein change: p.Lys506Asn; replaces lysine 506 with asparagine.
Molecular consequence: missense variant.
Genome position (GRCh38, 1-based): chr10:49,505,892, C>G on the plus strand (G>C on the coding strand, the complement: ERCC6 is on the minus strand). VCF-style: chr10-49505892-C-G. GRCh37 (hg19) VCF-style: chr10-50713938-C-G.
Other names: c.1518G>C, p.Lys506Asn (NM_001346440.2); short protein forms K506N.
Identifiers: ClinVar variation 2182940 (VCV002182940.1), dbSNP rs1232091509, ClinGen allele CA376729674.